The following is an entry in ClinVar:

ClinVar aggregate classification (germline): Uncertain significance (1 of 4 stars; one submission).

Submission:

Labcorp Genetics (formerly Invitae), Labcorp
Classification: Uncertain significance. Last evaluated: 2021-08-18. Review status: criteria provided, single submitter. Criteria: Invitae Variant Classification Sherloc (09022015). Collection method: clinical testing. Allele origin: germline.
Comment: In summary, the available evidence is currently insufficient to determine the role of this variant in disease. Therefore, it has been classified as a Variant of Uncertain Significance. Algorithms developed to predict the effect of sequence changes on RNA splicing suggest that this variant may create or strengthen a splice site. Algorithms developed to predict the effect of missense changes on protein structure and function are either unavailable or do not agree on the potential impact of this missense change (SIFT: "Deleterious"; PolyPhen-2: "Benign"; Align-GVGD: "Class C35"). This sequence change replaces valine with glycine at codon 468 of the TTLL5 protein (p.Val468Gly). The valine residue is moderately conserved and there is a moderate physicochemical difference between valine and glycine. This variant has not been reported in the literature in individuals affected with TTLL5-related conditions. This variant is not present in population databases (ExAC no frequency).

NM_015072.5(TTLL5):c.1403T>G (p.Val468Gly)

Gene: TTLL5 (tubulin tyrosine ligase like 5; plus strand). Cytogenetic location: 14q24.3.
Variant type: single nucleotide variant.
Coding change: c.1403T>G on transcript NM_015072.5 (MANE Select); coding-DNA position 1403, T replaced by G.
Protein change: p.Val468Gly; replaces valine 468 with glycine.
Molecular consequence: missense variant.
Genome position (GRCh38, 1-based): chr14:75,745,497, T>G. VCF-style: chr14-75745497-T-G. GRCh37 (hg19) VCF-style: chr14-76211840-T-G.
Other names: short protein forms V468G.
Identifiers: ClinVar variation 1347622 (VCV001347622.6), dbSNP rs2140259750, ClinGen allele CA390465545.